The following is an entry in ClinVar:

NM_001001548.3(CD36):c.534G>C (p.Leu178=)

Gene: CD36 (CD36 molecule (CD36 blood group); plus strand). Cytogenetic location: 7q21.11.
Variant type: single nucleotide variant.
Coding change: c.534G>C on transcript NM_001001548.3 (MANE Select); coding-DNA position 534, G replaced by C.
Protein change: p.Leu178=; no amino-acid change (leucine 178 retained).
Molecular consequence: synonymous variant. On other transcripts: non-coding transcript variant (1), intron variant (1).
Genome position (GRCh38, 1-based): chr7:80,663,094, G>C. VCF-style: chr7-80663094-G-C. GRCh37 (hg19) VCF-style: chr7-80292410-G-C.
Other names: c.534G>C, p.Leu178= (NM_000072.3, NM_001001547.3, NM_001127443.2 and 6 more transcripts); c.306G>C, p.Leu102= (NM_001289911.2); c.432G>C, p.Leu144= (NM_001371079.1); c.69G>C, p.Leu23= (NM_001371080.1, NM_001371081.1); c.430-1312G>C (NM_001289909.1).
Identifiers: ClinVar variation 3061735 (VCV003061735.2), dbSNP rs966002749, ClinGen allele CA161069138.
Genomic context (GRCh38, chr7:80,663,094, plus strand): 5'-CAATTCACTTATTAACAAGTCAAAATCTTCTATGTTCCAAGTCAGAACTTTGAGAGAACT[G>C]TTATGGGGCTATAGGGATCCATTTTTGAGTTTGGTTCCGTACCCTGTTACTACCACAGTT-3'
Protein context (NP_001001548.1, residues 168-188): SMFQVRTLRE[Leu178=]LWGYRDPFLS

ClinVar aggregate classification (germline): Likely benign (0 of 4 stars; one submission).

Conditions:
CD36-related disorder. Also called: CD36-related disorders; CD36-related condition.

Allele frequency attached by ClinVar (database versions not stated): gnomAD 0.00001.
gnomAD v4.1: 1 of 1,613,524 alleles (0.000062%); highest among the groups gnomAD compares: African/African-American, 0.0013%; no homozygotes.

Submission:

PreventionGenetics, part of Exact Sciences
Classification: Likely benign for CD36-related condition. Last evaluated: 2021-12-28. Review status: no assertion criteria provided. Collection method: clinical testing. Allele origin: germline.
Comment: This variant is classified as likely benign based on ACMG/AMP sequence variant interpretation guidelines (Richards et al. 2015 PMID: 25741868, with internal and published modifications).